The following is an entry in ClinVar:

ClinVar aggregate classification (germline): Uncertain significance (1 of 4 stars; one submission).

Conditions:
Muscular dystrophy-dystroglycanopathy (congenital with impaired intellectual development), type B, 2. Also called: MUSCULAR DYSTROPHY, CONGENITAL, POMT2-RELATED; Muscular dystrophy-dystroglycanopathy (congenital with intellectual disability), type B2. Identifiers: MedGen C3150416, MONDO:0013160, OMIM 613156.
Muscular dystrophy-dystroglycanopathy (congenital with brain and eye anomalies), type A2. Also called: MUSCULAR DYSTROPHY-DYSTROGLYCANOPATHY (CONGENITAL WITH BRAIN AND EYE ANOMALIES), TYPE A, 2; WALKER-WARBURG SYNDROME OR MUSCLE-EYE-BRAIN DISEASE, POMT2-RELATED. Identifiers: Orphanet 588, Orphanet 899, MedGen C3150411, MONDO:0013154, OMIM 613150.
Autosomal recessive limb-girdle muscular dystrophy type 2N. Also called: MUSCULAR DYSTROPHY-DYSTROGLYCANOPATHY, LIMB-GIRDLE, POMT2-RELATED; Muscular dystrophy-dystroglycanopathy (limb-girdle), type C, 2. Identifiers: Orphanet 206559, MedGen C3150418, MONDO:0013162, OMIM 613158.

Submission:

Labcorp Genetics (formerly Invitae), Labcorp
Classification: Uncertain significance for Muscular dystrophy-dystroglycanopathy (congenital with impaired intellectual development), type B, 2; Muscular dystrophy-dystroglycanopathy (congenital with brain and eye anomalies), type A2; Autosomal recessive limb-girdle muscular dystrophy type 2N. Last evaluated: 2023-01-04. Review status: criteria provided, single submitter. Criteria: Invitae Variant Classification Sherloc (09022015). Collection method: clinical testing. Allele origin: germline.
Comment: In summary, the available evidence is currently insufficient to determine the role of this variant in disease. Therefore, it has been classified as a Variant of Uncertain Significance. Advanced modeling of protein sequence and biophysical properties (such as structural, functional, and spatial information, amino acid conservation, physicochemical variation, residue mobility, and thermodynamic stability) has been performed at Invitae for this missense variant, however the output from this modeling did not meet the statistical confidence thresholds required to predict the impact of this variant on POMT2 protein function. This variant has not been reported in the literature in individuals affected with POMT2-related conditions. This variant is not present in population databases (gnomAD no frequency). This sequence change replaces asparagine, which is neutral and polar, with histidine, which is basic and polar, at codon 98 of the POMT2 protein (p.Asn98His).

NM_013382.7(POMT2):c.292A>C (p.Asn98His)

Gene: POMT2 (protein O-mannosyltransferase 2; minus strand). Cytogenetic location: 14q24.3.
Variant type: single nucleotide variant.
Coding change: c.292A>C on transcript NM_013382.7 (MANE Select); coding-DNA position 292, A replaced by C.
Protein change: p.Asn98His; replaces asparagine 98 with histidine.
Molecular consequence: missense variant.
Genome position (GRCh38, 1-based): chr14:77,311,990, T>G on the plus strand (A>C on the coding strand, the complement: POMT2 is on the minus strand). VCF-style: chr14-77311990-T-G. GRCh37 (hg19) VCF-style: chr14-77778333-T-G.
Other names: short protein forms N98H.
Identifiers: ClinVar variation 2942915 (VCV002942915.3), dbSNP rs2503333009, ClinGen allele CA390502693.